The following is an entry in ClinVar:

ClinVar aggregate classification (germline): Pathogenic (1 of 4 stars; one submission).

Allele frequency attached by ClinVar (database versions not stated): gnomAD exomes below 0.00001.
gnomAD v4.1: 1 of 1,614,044 alleles (0.000062%); highest among the groups gnomAD compares: Non-Finnish European, 0.000085%; no homozygotes.

Submission:

Labcorp Genetics (formerly Invitae), Labcorp
Classification: Pathogenic. Last evaluated: 2024-03-21. Review status: criteria provided, single submitter. Criteria: Invitae Variant Classification Sherloc (09022015). Collection method: clinical testing. Allele origin: germline.
Comment: This sequence change affects an acceptor splice site in intron 25 of the ABCA4 gene. It is expected to disrupt RNA splicing. Variants that disrupt the donor or acceptor splice site typically lead to a loss of protein function (PMID: 16199547), and loss-of-function variants in ABCA4 are known to be pathogenic (PMID: 10958761, 24938718, 25312043, 26780318). This variant is not present in population databases (gnomAD no frequency). Disruption of this splice site has been observed in individuals with ABCA4-related conditions (PMID: 21911583; Invitae). ClinVar contains an entry for this variant (Variation ID: 2013259). Algorithms developed to predict the effect of sequence changes on RNA splicing suggest that this variant may disrupt the consensus splice site. For these reasons, this variant has been classified as Pathogenic.

Literature cited by the submitters: PubMed 16199547; PubMed 10958761; PubMed 24938718; PubMed 25312043; PubMed 26780318; PubMed 21911583.

NM_000350.3(ABCA4):c.3814-1G>A

Genes: ABCA4 (ATP binding cassette subfamily A member 4; minus strand), LOC126805794 (BRD4-independent group 4 enhancer GRCh37_chr1:94502188-94503387; plus strand). Cytogenetic location: 1p22.1.
Variant type: single nucleotide variant.
Coding change: c.3814-1G>A on transcript NM_000350.3 (MANE Select); the canonical splice acceptor site of the intron before coding-DNA position 3814, G replaced by A.
Molecular consequence: splice acceptor variant.
Genome position (GRCh38, 1-based): chr1:94,036,789, C>T on the plus strand (G>A on the coding strand, the complement: ABCA4 is on the minus strand). VCF-style: chr1-94036789-C-T. GRCh37 (hg19) VCF-style: chr1-94502345-C-T.
Identifiers: ClinVar variation 2013259 (VCV002013259.4), dbSNP rs2523749799, ClinGen allele CA341288464.
Genomic context (GRCh38, chr1:94,036,789, plus strand): 5'-CAGCACCATACCCGCAAACAGAGGTCCTGAATCAGAATCCTCCGTGACCTTCAGAAAAAT[C>T]TGTCAAGAAGAAAAAAAGAGAGAATTTTGTTTAGTCATTCTTATTCTCAGAAAAATCTAA-3'